The following is an entry in ClinVar:

NM_001105206.3(LAMA4):c.4345C>T (p.Arg1449Trp)

Gene: LAMA4 (laminin subunit alpha 4; minus strand). Cytogenetic location: 6q21.
Variant type: single nucleotide variant.
Coding change: c.4345C>T on transcript NM_001105206.3 (MANE Select); coding-DNA position 4345, C replaced by T.
Protein change: p.Arg1449Trp; replaces arginine 1449 with tryptophan.
Molecular consequence: missense variant.
Genome position (GRCh38, 1-based): chr6:112,122,144, G>A on the plus strand (C>T on the coding strand, the complement: LAMA4 is on the minus strand). VCF-style: chr6-112122144-G-A. GRCh37 (hg19) VCF-style: chr6-112443347-G-A.
Other names: c.4324C>T, p.Arg1442Trp (NM_001105207.3, NM_002290.5); short protein forms R1442W, R1449W.
Identifiers: ClinVar variation 1059477 (VCV001059477.11), dbSNP rs372872387, ClinGen allele CA3964993.
Genomic context (GRCh38, chr6:112,122,144, plus strand): 5'-CGTGCTCTATTGCTCTAGGGCTGTTGGAAAGGTGGCAATGAGAGTTTCTTGGAGTATTCC[G>A]CTCTGGGAGTTTCAGAGCAACAGGATCCCATGAAGGTGCATCTTTACTTTTCCCTCCCTA-3'
Protein context (NP_001098676.2, residues 1439-1459): WDPVALKLPE[Arg1449Trp]NTPRNSHCHL

ClinVar aggregate classification (germline): Uncertain significance. Review status: criteria provided, multiple submitters, no conflicts (2 of 4 stars). 2 submissions from 2 submitters: Uncertain significance (2). Last evaluated 2023-09-01.

Conditions:
Cardiovascular phenotype. Identifiers: MedGen CN230736.
Dilated cardiomyopathy 1JJ (CMD1JJ). Identifiers: Orphanet 154, MedGen C3808935, MONDO:0014095, OMIM 615235.

gnomAD v4.1: 28 of 1,613,742 alleles (0.0017%); highest among the groups gnomAD compares: South Asian, 0.011%; no homozygotes.

Submissions (2):

Labcorp Genetics (formerly Invitae), Labcorp
Classification: Uncertain significance for Dilated cardiomyopathy 1JJ. Last evaluated: 2023-09-01. Review status: criteria provided, single submitter. Criteria: Invitae Variant Classification Sherloc (09022015). Collection method: clinical testing. Allele origin: germline.
Comment: This variant has not been reported in the literature in individuals affected with LAMA4-related conditions. ClinVar contains an entry for this variant (Variation ID: 1059477). An algorithm developed to predict the effect of missense changes on protein structure and function (PolyPhen-2) suggests that this variant is likely to be disruptive. In summary, the available evidence is currently insufficient to determine the role of this variant in disease. Therefore, it has been classified as a Variant of Uncertain Significance. This variant is present in population databases (rs372872387, gnomAD 0.008%). This sequence change replaces arginine, which is basic and polar, with tryptophan, which is neutral and slightly polar, at codon 1442 of the LAMA4 protein (p.Arg1442Trp).

Ambry Genetics
Classification: Uncertain significance for Cardiovascular phenotype. Last evaluated: 2023-02-16. Review status: criteria provided, single submitter. Criteria: Ambry Variant Classification Scheme 2023. Collection method: clinical testing. Allele origin: germline.
Comment: The p.R1442W variant (also known as c.4324C>T), located in coding exon 31 of the LAMA4 gene, results from a C to T substitution at nucleotide position 4324. The arginine at codon 1442 is replaced by tryptophan, an amino acid with dissimilar properties. This amino acid position is poorly conserved in available vertebrate species. In addition, this alteration is predicted to be tolerated by in silico analysis. Since supporting evidence is limited at this time, the clinical significance of this alteration remains unclear.